The following is an entry in ClinVar:

NM_020822.3(KCNT1):c.53G>T (p.Arg18Leu)

Gene: KCNT1 (potassium sodium-activated channel subfamily T member 1; plus strand). Cytogenetic location: 9q34.3.
Variant type: single nucleotide variant.
Coding change: c.53G>T on transcript NM_020822.3 (MANE Select); coding-DNA position 53, G replaced by T.
Protein change: p.Arg18Leu; replaces arginine 18 with leucine.
Molecular consequence: missense variant.
Genome position (GRCh38, 1-based): chr9:135,702,311, G>T. VCF-style: chr9-135702311-G-T. GRCh37 (hg19) VCF-style: chr9-138594157-G-T.
Other names: c.53G>T, p.Arg18Leu (NM_001272003.2); short protein forms R18L.
Identifiers: ClinVar variation 964549 (VCV000964549.11), dbSNP rs753714293, ClinGen allele CA5326233.

ClinVar aggregate classification (germline): Uncertain significance. Review status: criteria provided, multiple submitters, no conflicts (2 of 4 stars). 2 submissions from 2 submitters: Uncertain significance (2). Last evaluated 2025-03-05.

Conditions:
Inborn genetic diseases. Identifiers: MedGen C0950123, MeSH D030342.
Autosomal dominant nocturnal frontal lobe epilepsy 5. Also called: Epilepsy, nocturnal frontal lobe, 5; CILIARY DYSKINESIA, PRIMARY, 28, WITH SITUS INVERSUS; KCNT1-Related Epilepsy; CILIARY DYSKINESIA, PRIMARY, 28, WITHOUT SITUS INVERSUS. Identifiers: Orphanet 98784, MedGen C3554306, MONDO:0014002, OMIM 615005.
Developmental and epileptic encephalopathy, 14 (DEE14). Also called: Early infantile epileptic encephalopathy 14. Identifiers: Orphanet 293181, MedGen C3554195, MONDO:0013989, OMIM 614959.

Allele frequency attached by ClinVar (database versions not stated): ExAC 0.00002; TOPMed 0.00002; gnomAD 0.00003 and 0.00004.
gnomAD v4.1: 41 of 1,610,530 alleles (0.0025%); highest among the groups gnomAD compares: Non-Finnish European, 0.0034%; no homozygotes.

Submissions (2):

Ambry Genetics
Classification: Uncertain significance for Inborn genetic diseases. Last evaluated: 2025-03-05. Review status: criteria provided, single submitter. Criteria: Ambry Variant Classification Scheme 2023. Collection method: clinical testing. Allele origin: germline.

Labcorp Genetics (formerly Invitae), Labcorp
Classification: Uncertain significance for Autosomal dominant nocturnal frontal lobe epilepsy 5; Developmental and epileptic encephalopathy, 14. Last evaluated: 2024-11-16. Review status: criteria provided, single submitter. Criteria: Invitae Variant Classification Sherloc (09022015). Collection method: clinical testing. Allele origin: germline.
Comment: This sequence change replaces arginine, which is basic and polar, with leucine, which is neutral and non-polar, at codon 18 of the KCNT1 protein (p.Arg18Leu). This variant is present in population databases (rs753714293, gnomAD 0.004%). This variant has not been reported in the literature in individuals affected with KCNT1-related conditions. ClinVar contains an entry for this variant (Variation ID: 964549). Invitae Evidence Modeling of protein sequence and biophysical properties (such as structural, functional, and spatial information, amino acid conservation, physicochemical variation, residue mobility, and thermodynamic stability) indicates that this missense variant is not expected to disrupt KCNT1 protein function with a negative predictive value of 95%. In summary, the available evidence is currently insufficient to determine the role of this variant in disease. Therefore, it has been classified as a Variant of Uncertain Significance.